The following is an entry in ClinVar:

NM_021978.4(ST14):c.6G>A (p.Gly2=)

Gene: ST14 (ST14 transmembrane serine protease matriptase; plus strand). Cytogenetic location: 11q24.3.
Variant type: single nucleotide variant.
Coding change: c.6G>A on transcript NM_021978.4 (MANE Select); coding-DNA position 6, G replaced by A.
Protein change: p.Gly2=; no amino-acid change (glycine 2 retained).
Molecular consequence: synonymous variant.
Genome position (GRCh38, 1-based): chr11:130,159,985, G>A. VCF-style: chr11-130159985-G-A. GRCh37 (hg19) VCF-style: chr11-130029880-G-A.
Other names: c.6G>A (NM_021978.3).
Identifiers: ClinVar variation 2849266 (VCV002849266.5), dbSNP rs370051145, ClinGen allele CA6363379.

ClinVar aggregate classification (germline): Benign/Likely benign. Review status: criteria provided, multiple submitters, no conflicts (2 of 4 stars). 3 submissions from 3 submitters: Benign (1); Likely benign (2). Last evaluated 2025-01-15.

Conditions:
ST14-related disorder. Also called: ST14-related condition.

Allele frequency attached by ClinVar (database versions not stated): ESP Exome Variant Server 0.00027; 1000 Genomes Project 30x 0.00047; gnomAD 0.00130; TOPMed 0.00152; ExAC 0.00185; gnomAD exomes 0.00233.
gnomAD v4.1: 3,135 of 1,397,140 alleles (0.22%); highest among the groups gnomAD compares: Non-Finnish European, 0.26%; 10 homozygotes.

Submissions (3):

PreventionGenetics, part of Exact Sciences
Classification: Likely benign for ST14-related condition. Last evaluated: 2025-01-15. Review status: criteria provided, single submitter. Criteria: ACMG Guidelines, 2015. Collection method: clinical testing. Allele origin: germline.
Comment: This variant is classified as likely benign based on ACMG/AMP sequence variant interpretation guidelines (Richards et al. 2015 PMID: 25741868, with internal and published modifications).

Blueprint Genetics
Classification: Likely benign. Last evaluated: 2024-11-19. Review status: criteria provided, single submitter. Criteria: ACMG Guidelines, 2015. Collection method: clinical testing. Allele origin: germline.

Labcorp Genetics (formerly Invitae), Labcorp
Classification: Benign. Last evaluated: 2023-09-13. Review status: criteria provided, single submitter. Criteria: Invitae Variant Classification Sherloc (09022015). Collection method: clinical testing. Allele origin: germline.